The following is an entry in ClinVar:

NM_000157.4(GBA1):c.413del (p.Pro138fs)

Genes: GBA1 (glucosylceramidase beta 1; minus strand), LOC106627981 (GBA recombination region; plus strand). Cytogenetic location: 1q22.
Variant type: Deletion.
Coding change: c.413del on transcript NM_000157.4 (MANE Select); coding-DNA position 413, one base deleted (C; older notation c.413delC).
Protein change: p.Pro138fs; shifts the reading frame from proline 138.
Molecular consequence: frameshift variant. On other transcripts: intron variant (1).
Genome position (GRCh38, 1-based): chr1:155,239,657, G deleted on the plus strand (C on the coding strand, the reverse complement: GBA1 is on the minus strand); the first of 5 consecutive G bases (chr1:155,239,657-155,239,661); deleting any one gives the same sequence. VCF-style (leftmost placement, unchanged base first): chr1-155239656-AG-A. GRCh37 (hg19) VCF-style: chr1-155209447-AG-A.
Other names: c.413del, p.Pro138fs (NM_001005741.3, NM_001005742.3); c.152del, p.Pro51fs (NM_001171811.2); c.307+229del (NM_001171812.2); c.413delC (NM_000157.3); short protein forms P138fs, P51fs.
Identifiers: ClinVar variation 806229 (VCV000806229.43), dbSNP rs1571974696, ClinGen allele CA421026759.

ClinVar aggregate classification (germline): Conflicting classifications of pathogenicity. Review status: criteria provided, conflicting classifications (1 of 4 stars). 2 submissions from 2 submitters: Pathogenic (1); Uncertain significance (1). Last evaluated 2025-08-10.

Conditions:
Gaucher disease. Also called: Acute cerebral Gaucher disease; Cerebroside lipidosis syndrome; Gaucher splenomegaly; Sphingolipidosis 1; Glucocerebrosidosis; Glucosylceramidase deficiency. Identifiers: Orphanet 355, MedGen C0017205, MONDO:0018150.

Submissions (2):

Natera, Inc.
Classification: Pathogenic for Gaucher disease. Last evaluated: 2025-08-10. Review status: criteria provided, single submitter. Criteria: Natera Variant Classification Schema (03/2026). Collection method: clinical testing. Allele origin: germline.
Comment: The c.413delC variant in GBA1 is a frameshift variant predicted to shift the reading frame beginning at codon 138 and leads to a stop codon 62 codons downstream. This variant is expected to result in nonsense mediated decay, truncation, or a dysfunctional protein product. This variant is rare in the general population with a frequency below the threshold expected for the associated phenotype(s). This variant has been observed in one or more individuals affected with the associated recessive disease, as either homozygous or compound heterozygous with a second variant (PMID: 23430543, 34073924, 19394250). Given the available evidence, this variant is classified as Pathogenic.

CeGaT Center for Human Genetics Tuebingen
Classification: Uncertain significance. Last evaluated: 2018-08-01. Review status: criteria provided, single submitter. Criteria: CeGaT Center For Human Genetics Tuebingen Variant Classification Criteria Version 2. Collection method: clinical testing. Allele origin: germline. Affected: yes. Observed: 1 variant allele.

Literature cited by the submitters: PubMed 23430543 (cited by Natera, Inc.); PubMed 34073924 (cited by Natera, Inc.); PubMed 19394250 (cited by Natera, Inc.).